The following is an entry in ClinVar:

ClinVar aggregate classification (germline): Uncertain significance. Review status: criteria provided, multiple submitters, no conflicts (2 of 4 stars). 2 submissions from 2 submitters: Uncertain significance (2). Last evaluated 2025-10-18.

Conditions:
Inborn genetic diseases. Identifiers: MedGen C0950123, MeSH D030342.

Submissions (2):

Ambry Genetics
Classification: Uncertain significance for Inborn genetic diseases. Last evaluated: 2025-10-18. Review status: criteria provided, single submitter. Criteria: Ambry Variant Classification Scheme 2023. Collection method: clinical testing. Allele origin: germline.

GeneDx
Classification: Uncertain significance. Last evaluated: 2022-06-07. Review status: criteria provided, single submitter. Criteria: GeneDx Variant Classification Process June 2021. Collection method: clinical testing. Allele origin: germline. Affected: yes.
Comment: Not observed at significant frequency in large population cohorts (gnomAD); In silico analysis supports that this missense variant does not alter protein structure/function; Has not been previously published as pathogenic or benign to our knowledge

NM_152641.4(ARID2):c.4004C>A (p.Ala1335Glu)

Gene: ARID2 (AT-rich interaction domain 2; plus strand). Cytogenetic location: 12q12.
Variant type: single nucleotide variant.
Coding change: c.4004C>A on transcript NM_152641.4 (MANE Select); coding-DNA position 4004, C replaced by A.
Protein change: p.Ala1335Glu; replaces alanine 1335 with glutamic acid.
Molecular consequence: missense variant.
Genome position (GRCh38, 1-based): chr12:45,852,127, C>A. VCF-style: chr12-45852127-C-A. GRCh37 (hg19) VCF-style: chr12-46245910-C-A.
Other names: c.4004C>A, p.Ala1335Glu (NM_001347839.2); short protein forms A1335E.
Identifiers: ClinVar variation 1803522 (VCV001803522.2), dbSNP rs2138176240, ClinGen allele CA384489244.